The following is an entry in ClinVar:

NM_144999.4(LRRC45):c.429C>T (p.Asn143=)

Gene: LRRC45 (leucine rich repeat containing 45; plus strand). Cytogenetic location: 17q25.3.
Variant type: single nucleotide variant.
Coding change: c.429C>T on transcript NM_144999.4 (MANE Select); coding-DNA position 429, C replaced by T.
Protein change: p.Asn143=; no amino-acid change (asparagine 143 retained).
Molecular consequence: synonymous variant.
Genome position (GRCh38, 1-based): chr17:82,025,075, C>T. VCF-style: chr17-82025075-C-T. GRCh37 (hg19) VCF-style: chr17-79982951-C-T.
Identifiers: ClinVar variation 3355311 (VCV003355311.1).

ClinVar aggregate classification (germline): Likely benign (0 of 4 stars; one submission).

Conditions:
LRRC45-related disorder. Also called: LRRC45-related condition.

gnomAD v4.1: 39 of 1,609,690 alleles (0.0024%); highest among the groups gnomAD compares: Admixed American, 0.0067%; no homozygotes.

Submission:

PreventionGenetics, part of Exact Sciences
Classification: Likely benign for LRRC45-related condition. Last evaluated: 2024-09-26. Review status: no assertion criteria provided. Collection method: clinical testing. Allele origin: germline.
Comment: This variant is classified as likely benign based on ACMG/AMP sequence variant interpretation guidelines (Richards et al. 2015 PMID: 25741868, with internal and published modifications).